The following is an entry in ClinVar:

ClinVar aggregate classification (germline): Uncertain significance (1 of 4 stars; one submission).

Conditions:
Cardiovascular phenotype. Identifiers: MedGen CN230736.

gnomAD v4.1: 2 of 1,550,366 alleles (0.00013%); highest among the groups gnomAD compares: Non-Finnish European, 0.00017%; no homozygotes.

Submission:

Ambry Genetics
Classification: Uncertain significance for Cardiovascular phenotype. Last evaluated: 2025-06-10. Review status: criteria provided, single submitter. Criteria: Ambry Variant Classification Scheme 2023. Collection method: clinical testing. Allele origin: germline.
Comment: The p.G1297E variant (also known as c.3890G>A), located in coding exon 2 of the ZNF469 gene, results from a G to A substitution at nucleotide position 3890. The glycine at codon 1297 is replaced by glutamic acid, an amino acid with similar properties. This amino acid position is conserved. In addition, this alteration is predicted to be tolerated by in silico analysis. Based on the available evidence, the clinical significance of this variant remains unclear.

NM_001367624.2(ZNF469):c.3974G>A (p.Gly1325Glu)

Gene: ZNF469 (zinc finger protein 469; plus strand). Cytogenetic location: 16q24.2.
Variant type: single nucleotide variant.
Coding change: c.3974G>A on transcript NM_001367624.2 (MANE Select); coding-DNA position 3974, G replaced by A.
Protein change: p.Gly1325Glu; replaces glycine 1325 with glutamic acid.
Molecular consequence: missense variant.
Genome position (GRCh38, 1-based): chr16:88,431,444, G>A. VCF-style: chr16-88431444-G-A. GRCh37 (hg19) VCF-style: chr16-88497852-G-A.
Other names: NM_001127464.1:c.3890G>A; short protein forms G1325E.
Identifiers: ClinVar variation 3987386 (VCV003987386.1).